The following is an entry in ClinVar:

ClinVar aggregate classification (germline): Pathogenic (1 of 4 stars; one submission).

Conditions:
Muscular dystrophy-dystroglycanopathy (congenital with brain and eye anomalies), type a, 11 (MDDGA11). Also called: WALKER-WARBURG SYNDROME OR MUSCLE-EYE-BRAIN DISEASE, B3GALNT2-RELATED; Congenital muscular dystrophy-dystroglycanopathy with brain and eye anomalies, type A11; Muscular dystrophy-dystroglycanopathy (congenital with brain and eye anomalies, type A, 11. Identifiers: Orphanet 588, Orphanet 899, MedGen C3554638, MONDO:0014071, OMIM 615181.

Allele frequency attached by ClinVar (database versions not stated): TOPMed below 0.00001.

Submission:

Labcorp Genetics (formerly Invitae), Labcorp
Classification: Pathogenic for Muscular dystrophy-dystroglycanopathy (congenital with brain and eye anomalies), type a, 11. Last evaluated: 2023-07-07. Review status: criteria provided, single submitter. Criteria: Invitae Variant Classification Sherloc (09022015). Collection method: clinical testing. Allele origin: germline.
Comment: For these reasons, this variant has been classified as Pathogenic. This sequence change creates a premature translational stop signal (p.Trp446*) in the B3GALNT2 gene. While this is not anticipated to result in nonsense mediated decay, it is expected to disrupt the last 55 amino acid(s) of the B3GALNT2 protein. This variant is not present in population databases (gnomAD no frequency). This variant has not been reported in the literature in individuals affected with B3GALNT2-related conditions. ClinVar contains an entry for this variant (Variation ID: 2117097). Algorithms developed to predict the effect of sequence changes on RNA splicing suggest that this variant may disrupt the consensus splice site. This variant disrupts a region of the B3GALNT2 protein in which other variant(s) (p.Pro474del) have been determined to be pathogenic (PMID: 26663670, 33290285). This suggests that this is a clinically significant region of the protein, and that variants that disrupt it are likely to be disease-causing.

Literature cited by the submitters: PubMed 26663670; PubMed 33290285.

NM_152490.5(B3GALNT2):c.1337G>A (p.Trp446Ter)

Gene: B3GALNT2 (beta-1,3-N-acetylgalactosaminyltransferase 2; minus strand). Cytogenetic location: 1q42.3.
Variant type: single nucleotide variant.
Coding change: c.1337G>A on transcript NM_152490.5 (MANE Select); coding-DNA position 1337, G replaced by A.
Protein change: p.Trp446Ter; replaces tryptophan 446 with a stop codon.
Molecular consequence: nonsense.
Genome position (GRCh38, 1-based): chr1:235,453,121, C>T on the plus strand (G>A on the coding strand, the complement: B3GALNT2 is on the minus strand). VCF-style: chr1-235453121-C-T. GRCh37 (hg19) VCF-style: chr1-235616433-C-T.
Other names: short protein forms W446*.
Identifiers: ClinVar variation 2117097 (VCV002117097.4), dbSNP rs1218246247, ClinGen allele CA344956221.